The following is an entry in ClinVar:

ClinVar aggregate classification (germline): Uncertain significance (0 of 4 stars; one submission).

Conditions:
PLXNA4-related disorder. Also called: PLXNA4-related condition.

Allele frequency attached by ClinVar (database versions not stated): TOPMed 0.00002; gnomAD 0.00003; gnomAD exomes 0.00005; ExAC 0.00012; 1000 Genomes Project 30x 0.00031; 1000 Genomes Project 0.00040.
gnomAD v4.1: 81 of 1,613,970 alleles (0.005%); highest among the groups gnomAD compares: South Asian, 0.081%; 1 homozygote.

Submission:

PreventionGenetics, part of Exact Sciences
Classification: Uncertain significance for PLXNA4-related condition. Last evaluated: 2024-05-17. Review status: no assertion criteria provided. Collection method: clinical testing. Allele origin: germline.
Comment: The PLXNA4 c.1415G>A variant is predicted to result in the amino acid substitution p.Gly472Glu. To our knowledge, this variant has not been reported in the literature. This variant is reported in 0.095% of alleles in individuals of South Asian descent in gnomAD, including 1 homozygous individual. Although we suspect that this variant may be benign, at this time, the clinical significance of this variant is uncertain due to the absence of conclusive functional and genetic evidence.

NM_020911.2(PLXNA4):c.1372-87030G>A

Gene: PLXNA4 (plexin A4; minus strand). Cytogenetic location: 7q32.3.
Variant type: single nucleotide variant.
Coding change: c.1372-87030G>A on transcript NM_020911.2 (MANE Select); 87030 bases into the intron before coding-DNA position 1372, G replaced by A.
Molecular consequence: intron variant. On other transcripts: missense variant (1).
Genome position (GRCh38, 1-based): chr7:132,385,252, C>T on the plus strand (G>A on the coding strand, the complement: PLXNA4 is on the minus strand). VCF-style: chr7-132385252-C-T. GRCh37 (hg19) VCF-style: chr7-132070011-C-T.
Other names: c.1415G>A, p.Gly472Glu (NM_001105543.2); c.1372-87030G>A (NM_001393897.1); short protein forms G472E.
Identifiers: ClinVar variation 2631883 (VCV002631883.2), dbSNP rs559261302, ClinGen allele CA4490195.
Genomic context (GRCh38, chr7:132,385,252, plus strand): 5'-TTTGATGAACAGCTGGAGAACAGGAGTTCCAGAGTCACTGTTGCTCTGTGGGATCGGGGT[C>T]CCGTCTGTAGCTCAAGGGTAGGGCAGAGGCTGGTACCAGGCATCTGGAAAAGATGAAACC-3'